The following is an entry in ClinVar:

NM_005120.3(MED12):c.4012A>T (p.Asn1338Tyr)

Gene: MED12 (mediator complex subunit 12; plus strand). Cytogenetic location: Xq13.1.
Variant type: single nucleotide variant.
Coding change: c.4012A>T on transcript NM_005120.3 (MANE Select); coding-DNA position 4012, A replaced by T.
Protein change: p.Asn1338Tyr; replaces asparagine 1338 with tyrosine.
Molecular consequence: missense variant.
Genome position (GRCh38, 1-based): chrX:71,130,179, A>T. VCF-style: chrX-71130179-A-T. GRCh37 (hg19) VCF-style: chrX-70350029-A-T.
Other names: short protein forms N1338Y.
Identifiers: ClinVar variation 4801075 (VCV004801075.1).

ClinVar aggregate classification (germline): Uncertain significance (1 of 4 stars; one submission).

Conditions:
FG syndrome (FGS). Identifiers: MedGen C0220769, MONDO:0002010.

Submission:

Labcorp Genetics (formerly Invitae), Labcorp
Classification: Uncertain significance for FG syndrome. Last evaluated: 2025-09-09. Review status: criteria provided, single submitter. Criteria: Invitae Variant Classification Sherloc (09022015). Collection method: clinical testing. Allele origin: germline.
Comment: This sequence change replaces asparagine, which is neutral and polar, with tyrosine, which is neutral and polar, at codon 1338 of the MED12 protein (p.Asn1338Tyr). This variant is not present in population databases (gnomAD no frequency). This variant has not been reported in the literature in individuals affected with MED12-related conditions. Invitae Evidence Modeling of protein sequence and biophysical properties (such as structural, functional, and spatial information, amino acid conservation, physicochemical variation, residue mobility, and thermodynamic stability) indicates that this missense variant is expected to disrupt MED12 protein function with a positive predictive value of 95%. In summary, the available evidence is currently insufficient to determine the role of this variant in disease. Therefore, it has been classified as a Variant of Uncertain Significance.